The following is an entry in ClinVar:

ClinVar aggregate classification (germline): Uncertain significance. Review status: criteria provided, multiple submitters, no conflicts (2 of 4 stars). 2 submissions from 2 submitters: Uncertain significance (2). Last evaluated 2021-09-24.

Conditions:
Severe combined immunodeficiency due to LCK deficiency. Also called: Immunodeficiency 22. Identifiers: Orphanet 280142, MedGen C4014233, MONDO:0014334, OMIM 615758.

Allele frequency attached by ClinVar (database versions not stated): gnomAD exomes 0.00001.
gnomAD v4.1: 3 of 1,614,176 alleles (0.00019%); highest among the groups gnomAD compares: Non-Finnish European, 0.00025%; no homozygotes.

Submissions (2):

Labcorp Genetics (formerly Invitae), Labcorp
Classification: Uncertain significance for Severe combined immunodeficiency due to LCK deficiency. Last evaluated: 2021-09-24. Review status: criteria provided, single submitter. Criteria: Invitae Variant Classification Sherloc (09022015). Collection method: clinical testing. Allele origin: germline.
Comment: This sequence change replaces glutamic acid with aspartic acid at codon 10 of the LCK protein (p.Glu10Asp). The glutamic acid residue is moderately conserved and there is a small physicochemical difference between glutamic acid and aspartic acid. This variant is not present in population databases (ExAC no frequency). This variant has not been reported in the literature in individuals with LCK-related conditions. Algorithms developed to predict the effect of missense changes on protein structure and function output the following: SIFT: "Tolerated"; PolyPhen-2: "Benign"; Align-GVGD: "Class C0". The aspartic acid amino acid residue is found in multiple mammalian species, suggesting that this missense change does not adversely affect protein function. These predictions have not been confirmed by published functional studies and their clinical significance is uncertain. In summary, the available evidence is currently insufficient to determine the role of this variant in disease. Therefore, it has been classified as a Variant of Uncertain Significance.

Blueprint Genetics
Classification: Uncertain significance. Last evaluated: 2021-09-15. Review status: criteria provided, single submitter. Criteria: ACMG Guidelines, 2015. Collection method: clinical testing. Allele origin: germline.

NM_005356.5(LCK):c.30A>T (p.Glu10Asp)

Gene: LCK (LCK proto-oncogene, Src family tyrosine kinase; plus strand). Cytogenetic location: 1p35.2.
Variant type: single nucleotide variant.
Coding change: c.30A>T on transcript NM_005356.5 (MANE Select); coding-DNA position 30, A replaced by T.
Protein change: p.Glu10Asp; replaces glutamic acid 10 with aspartic acid.
Molecular consequence: missense variant.
Genome position (GRCh38, 1-based): chr1:32,274,359, A>T. VCF-style: chr1-32274359-A-T. GRCh37 (hg19) VCF-style: chr1-32739960-A-T.
Other names: c.30A>T, p.Glu10Asp (NM_001042771.3, NM_001330468.2); short protein forms E10D.
Identifiers: ClinVar variation 1447755 (VCV001447755.6), dbSNP rs2124350577, ClinGen allele CA339634015.
Genomic context (GRCh38, chr1:32,274,359, plus strand): 5'-TTCAGCCCCCTCTTCCATTCCCTCAGGGACCATGGGCTGTGGCTGCAGCTCACACCCGGA[A>T]GATGACTGGATGGAAAACATCGATGTGTGTGAGAACTGCCATTATCCCATAGTCCCACTG-3'
Protein context (NP_005347.3, residues 1-20): MGCGCSSHP[Glu10Asp]DDWMENIDVC